The following is an entry in ClinVar:

NM_001159773.2(CANT1):c.622G>A (p.Val208Met)

Gene: CANT1 (calcium activated nucleotidase 1; minus strand). Cytogenetic location: 17q25.3.
Variant type: single nucleotide variant.
Coding change: c.622G>A on transcript NM_001159773.2 (MANE Select); coding-DNA position 622, G replaced by A.
Protein change: p.Val208Met; replaces valine 208 with methionine.
Molecular consequence: missense variant.
Genome position (GRCh38, 1-based): chr17:78,997,001, C>T on the plus strand (G>A on the coding strand, the complement: CANT1 is on the minus strand). VCF-style: chr17-78997001-C-T. GRCh37 (hg19) VCF-style: chr17-76993083-C-T.
Other names: c.622G>A, p.Val208Met (NM_001159772.2, NM_138793.4); short protein forms V208M.
Identifiers: ClinVar variation 1446552 (VCV001446552.6), dbSNP rs776735475, ClinGen allele CA8808689.

ClinVar aggregate classification (germline): Uncertain significance. Review status: criteria provided, multiple submitters, no conflicts (2 of 4 stars). 2 submissions from 2 submitters: Uncertain significance (2). Last evaluated 2024-01-19.

Conditions:
Epiphyseal dysplasia, multiple, 7. Identifiers: Orphanet 647676, MedGen C4540251, MONDO:0054680, OMIM 617719.
Desbuquois dysplasia 1 (DBQD1). Also called: DESBUQUOIS DYSPLASIA 1, KIM VARIANT; MICROMELIC DWARFISM WITH VERTEBRAL AND METAPHYSEAL ABNORMALITIES AND ADVANCED CARPOTARSAL OSSIFICATION. Identifiers: Orphanet 1425, MedGen C4012146, MONDO:0009629, OMIM 251450.

Allele frequency attached by ClinVar (database versions not stated): gnomAD exomes 0.00002 and 0.00003; TOPMed 0.00002; ExAC 0.00003; gnomAD 0.00004.
gnomAD v4.1: 44 of 1,614,030 alleles (0.0027%); highest among the groups gnomAD compares: East Asian, 0.06%; no homozygotes.

Submissions (2):

Fulgent Genetics
Classification: Uncertain significance for Desbuquois dysplasia 1; Epiphyseal dysplasia, multiple, 7. Last evaluated: 2024-01-19. Review status: criteria provided, single submitter. Criteria: ACMG Guidelines, 2015. Collection method: clinical testing. Allele origin: germline.

Labcorp Genetics (formerly Invitae), Labcorp
Classification: Uncertain significance. Last evaluated: 2022-07-15. Review status: criteria provided, single submitter. Criteria: Invitae Variant Classification Sherloc (09022015). Collection method: clinical testing. Allele origin: germline.
Comment: This sequence change replaces valine, which is neutral and non-polar, with methionine, which is neutral and non-polar, at codon 208 of the CANT1 protein (p.Val208Met). This variant is present in population databases (rs776735475, gnomAD 0.02%). This variant has not been reported in the literature in individuals affected with CANT1-related conditions. ClinVar contains an entry for this variant (Variation ID: 1446552). Algorithms developed to predict the effect of missense changes on protein structure and function are either unavailable or do not agree on the potential impact of this missense change (SIFT: "Deleterious"; PolyPhen-2: "Benign"; Align-GVGD: "Class C0"). In summary, the available evidence is currently insufficient to determine the role of this variant in disease. Therefore, it has been classified as a Variant of Uncertain Significance.